The following is an entry in ClinVar:

ClinVar aggregate classification (germline): Likely benign. Review status: criteria provided, multiple submitters, no conflicts (2 of 4 stars). 3 submissions from 3 submitters: Likely benign (2). 1 of the submissions does not count toward it. Last evaluated 2026-09-01.

Conditions:
KMT2D-related disorder. Also called: KMT2D-Related Disorders.
Kabuki syndrome. Also called: NIIKAWA-KUROKI SYNDROME; Kabuki make-up syndrome. Identifiers: Orphanet 2322, MedGen C0796004, MONDO:0016512.

Allele frequency attached by ClinVar (database versions not stated): gnomAD 0.00001; TOPMed 0.00003.
gnomAD v4.1: 2 of 1,604,394 alleles (0.00012%); highest among the groups gnomAD compares: Admixed American, 0.0034%; no homozygotes.

Submissions (3):

CeGaT Center for Human Genetics Tuebingen
Classification: Likely benign. Last evaluated: 2026-09-01. Review status: criteria provided, single submitter. Criteria: CeGaT Center For Human Genetics Tuebingen Variant Classification Criteria Version 2. Collection method: clinical testing. Allele origin: germline. Affected: yes. Observed: 1 variant allele.
Comment: KMT2D: BP4, BP7

Labcorp Genetics (formerly Invitae), Labcorp
Classification: Likely benign for Kabuki syndrome. Last evaluated: 2025-03-27. Review status: criteria provided, single submitter. Criteria: Invitae Variant Classification Sherloc (09022015). Collection method: clinical testing. Allele origin: germline.

PreventionGenetics, part of Exact Sciences
Classification: Likely benign for KMT2D-related condition. Last evaluated: 2022-10-24. Review status: no assertion criteria provided. Collection method: clinical testing. Allele origin: germline. Not counted in ClinVar's aggregate classification.
Comment: This variant is classified as likely benign based on ACMG/AMP sequence variant interpretation guidelines (Richards et al. 2015 PMID: 25741868, with internal and published modifications).

NM_003482.4(KMT2D):c.7239C>G (p.Ala2413=)

Gene: KMT2D (lysine methyltransferase 2D; minus strand). Cytogenetic location: 12q13.12.
Variant type: single nucleotide variant.
Coding change: c.7239C>G on transcript NM_003482.4 (MANE Select); coding-DNA position 7239, C replaced by G.
Protein change: p.Ala2413=; no amino-acid change (alanine 2413 retained).
Molecular consequence: synonymous variant.
Genome position (GRCh38, 1-based): chr12:49,040,531, G>C on the plus strand (C>G on the coding strand, the complement: KMT2D is on the minus strand). VCF-style: chr12-49040531-G-C. GRCh37 (hg19) VCF-style: chr12-49434314-G-C.
Identifiers: ClinVar variation 1991343 (VCV001991343.7), dbSNP rs1391191665, ClinGen allele CA479712091.